The following is an entry in ClinVar:

NM_203447.4(DOCK8):c.3381A>G (p.Ile1127Met)

Gene: DOCK8 (dedicator of cytokinesis 8; plus strand). Cytogenetic location: 9p24.3.
Variant type: single nucleotide variant.
Coding change: c.3381A>G on transcript NM_203447.4 (MANE Select); coding-DNA position 3381, A replaced by G.
Protein change: p.Ile1127Met; replaces isoleucine 1127 with methionine.
Molecular consequence: missense variant.
Genome position (GRCh38, 1-based): chr9:405,064, A>G. VCF-style: chr9-405064-A-G. GRCh37 (hg19) VCF-style: chr9-405064-A-G.
Other names: c.3081A>G, p.Ile1027Met (NM_001190458.2); c.3177A>G, p.Ile1059Met (NM_001193536.2); short protein forms I1027M, I1059M, I1127M.
Identifiers: ClinVar variation 1512736 (VCV001512736.5), dbSNP rs369322460, ClinGen allele CA4958653.

ClinVar aggregate classification (germline): Uncertain significance (1 of 4 stars; one submission).

Conditions:
Combined immunodeficiency due to DOCK8 deficiency (HIES2). Also called: DOCK8 Deficiency; HIES autosomal recessive; Hyper-IgE recurrent infection syndrome, autosomal recessive; HYPER-IgE RECURRENT INFECTION SYNDROME 2, AUTOSOMAL RECESSIVE; HYPER-IgE SYNDROME 2, AUTOSOMAL RECESSIVE, WITH RECURRENT INFECTIONS. Identifiers: Orphanet 217390, MedGen C4722305, MONDO:0009478, OMIM 243700.

Allele frequency attached by ClinVar (database versions not stated): gnomAD exomes below 0.00001; ExAC 0.00001; TOPMed 0.00001; gnomAD 0.00002; ESP Exome Variant Server 0.00008.
gnomAD v4.1: 16 of 1,613,310 alleles (0.00099%); highest among the groups gnomAD compares: Non-Finnish European, 0.0014%; no homozygotes.

Submission:

Labcorp Genetics (formerly Invitae), Labcorp
Classification: Uncertain significance for Combined immunodeficiency due to DOCK8 deficiency. Last evaluated: 2022-09-28. Review status: criteria provided, single submitter. Criteria: Invitae Variant Classification Sherloc (09022015). Collection method: clinical testing. Allele origin: germline.
Comment: This sequence change replaces isoleucine, which is neutral and non-polar, with methionine, which is neutral and non-polar, at codon 1127 of the DOCK8 protein (p.Ile1127Met). This variant is present in population databases (rs369322460, gnomAD 0.0009%). This variant has not been reported in the literature in individuals affected with DOCK8-related conditions. ClinVar contains an entry for this variant (Variation ID: 1512736). Advanced modeling of protein sequence and biophysical properties (such as structural, functional, and spatial information, amino acid conservation, physicochemical variation, residue mobility, and thermodynamic stability) performed at Invitae indicates that this missense variant is not expected to disrupt DOCK8 protein function. In summary, the available evidence is currently insufficient to determine the role of this variant in disease. Therefore, it has been classified as a Variant of Uncertain Significance.